The following continues an entry in ClinVar:

NM_000059.4(BRCA2):c.8723T>G (p.Val2908Gly)

Gene: BRCA2. ClinVar aggregate classification (germline): Conflicting classifications of pathogenicity. Uncertain significance (1); Likely benign (12).

Submission 17 of 17:

Department of Pathology and Laboratory Medicine, Sinai Health System
Classification: Likely benign for Malignant tumor of breast. Review status: no assertion criteria provided. Collection method: clinical testing. Allele origin: unknown. Affected: yes. Study: The Canadian Open Genetics Repository (COGR). Not counted in ClinVar's aggregate classification.
Comment: The p.Val2908Gly variant was identified in 2 of 1782 proband chromosomes (frequency: 0.0001) from individuals or families with breast/ovarian cancers (Konecny 2011, van Harssel 2010). In functional studies comparing mutant and wildtype forms of BRCA2 using assays of cellular survival and viability, homologous recombination repair, genome instability and centriole amplification, the variant was comparable to wildtype or demonstrated no impaired BRCA2 function (Wu 2005, Farrugia 2008). In a computational multifactorial model combining three independent measures (co-occurrence of variant with known deleterious mutations, personal and family history of cancer, and co-segregation with disease), the variant was found to be neutral (Easton 2007). Another computational method looking at probabilistic likelihood ratio of variant (whether missense variant impairs protein function), was inconclusive (Karchin 2008). The variant was also identified in dbSNP (ID: rs28897753) â€šÃ„ÃºWith other alleleâ€šÃ„Ã¹, the Exome Aggregation Consortium (ExAC) database (released Jan 13, 2015) in 2 of 33026 individuals from a population of European (Non-Finnish) individuals (frequency: 0.00003), Clinvitae database (classifications likely benign and conflicting interpretations of pathogenicity), Fanconi Anemia Mutation Database (LOVD) and ARUP Laboratories BRCA Mutations Database (classified as likely not pathogenic or of little clinical significance), the ClinVar database (classified as likely benign by Ambry Genetics, GeneDX, Counsyl, Invitae, and Sharing Clinical Reports Project(derived from Myriad reports); and classified as uncertain significance by BIC), the BIC database (8x with unknown clinical importance, classification pending). The p.Val2908 residue is conserved across mammals and computational analyses (PolyPhen-2, SIFT, AlignGVGD, BLOSUM, MutationTaster) provide inconsistent predictions regarding the impact to the protein. In summary, based on the above information, the clinical significance of this variant cannot be determined with certainty at this time although we would lean towards a more benign role for this variant. This variant is classified as likely benign.

Literature cited by the submitters: PubMed 24323938 (cited by Quest Diagnostics Nichols Institute San Juan Capistrano); PubMed 29394989 (cited by 3 submitters); PubMed 32444794 (cited by Quest Diagnostics Nichols Institute San Juan Capistrano and Women's Health and Genetics/Laboratory Corporation of America, LabCorp); PubMed 21990134 (cited by Quest Diagnostics Nichols Institute San Juan Capistrano); PubMed 19949876 (cited by 3 submitters); PubMed 18451181 (cited by 4 submitters); PubMed 23108138 (cited by 3 submitters); PubMed 17924331 (cited by 3 submitters); PubMed 15695382 (cited by 4 submitters); PubMed 19043619 (cited by Quest Diagnostics Nichols Institute San Juan Capistrano and Counsyl); PubMed 33471991 (cited by Quest Diagnostics Nichols Institute San Juan Capistrano and Women's Health and Genetics/Laboratory Corporation of America, LabCorp); PubMed 30613976 (cited by Quest Diagnostics Nichols Institute San Juan Capistrano and Women's Health and Genetics/Laboratory Corporation of America, LabCorp); PubMed 33609447 (cited by Quest Diagnostics Nichols Institute San Juan Capistrano and Women's Health and Genetics/Laboratory Corporation of America, LabCorp); PubMed 35736817 (cited by Quest Diagnostics Nichols Institute San Juan Capistrano and Women's Health and Genetics/Laboratory Corporation of America, LabCorp); PubMed 18284688 (cited by Women's Health and Genetics/Laboratory Corporation of America, LabCorp and Counsyl); PubMed 21203900 (cited by Women's Health and Genetics/Laboratory Corporation of America, LabCorp and Ambry Genetics); PubMed 25382762 (cited by Women's Health and Genetics/Laboratory Corporation of America, LabCorp); PubMed 29884841 (cited by Women's Health and Genetics/Laboratory Corporation of America, LabCorp); PubMed 31422574 (cited by Women's Health and Genetics/Laboratory Corporation of America, LabCorp); PubMed 31409081 (cited by Women's Health and Genetics/Laboratory Corporation of America, LabCorp); PubMed 29416752 (cited by Women's Health and Genetics/Laboratory Corporation of America, LabCorp); PubMed 18951461 (cited by Ambry Genetics).